The following is an entry in ClinVar:

NM_001853.4(COL9A3):c.546C>T (p.Pro182=)

Gene: COL9A3 (collagen type IX alpha 3 chain; plus strand). Cytogenetic location: 20q13.33.
Variant type: single nucleotide variant.
Coding change: c.546C>T on transcript NM_001853.4 (MANE Select); coding-DNA position 546, C replaced by T.
Protein change: p.Pro182=; no amino-acid change (proline 182 retained).
Molecular consequence: synonymous variant.
Genome position (GRCh38, 1-based): chr20:62,824,471, C>T. VCF-style: chr20-62824471-C-T. GRCh37 (hg19) VCF-style: chr20-61455823-C-T.
Other names: p.Pro182=; c.546C>T, p.Pro182= (LRG_1253t1).
Identifiers: ClinVar variation 258428 (VCV000258428.50), dbSNP rs150148851, ClinGen allele CA9949350.

ClinVar aggregate classification (germline): Benign. Review status: criteria provided, multiple submitters, no conflicts (2 of 4 stars). 10 submissions from 10 submitters: Benign (10). Last evaluated 2026-08-01.

Conditions:
Connective tissue disorder. Also called: Connective tissue disease. Identifiers: MedGen C0009782, MONDO:0003900.

Allele frequency attached by ClinVar (database versions not stated): 1000 Genomes Project 0.00300; 1000 Genomes Project 30x 0.00312; gnomAD exomes 0.00592 and 0.01194; gnomAD 0.00702 and 0.00734; TOPMed 0.00757; ESP Exome Variant Server 0.00988; ExAC 0.01001.
gnomAD v4.1: 18,347 of 1,599,646 alleles (1.1%); highest among the groups gnomAD compares: Non-Finnish European, 1.4%; 145 homozygotes.

Submissions (10):

CeGaT Center for Human Genetics Tuebingen
Classification: Benign. Last evaluated: 2026-08-01. Review status: criteria provided, single submitter. Criteria: CeGaT Center For Human Genetics Tuebingen Variant Classification Criteria Version 2. Collection method: clinical testing. Allele origin: germline. Affected: yes. Observed: 18 variant alleles.
Comment: COL9A3: BP4, BP7, BS1, BS2

Women's Health and Genetics/Laboratory Corporation of America, LabCorp
Classification: Benign. Last evaluated: 2026-05-11. Review status: criteria provided, single submitter. Criteria: LabCorp Variant Classification Summary - May 2015. Collection method: clinical testing. Allele origin: germline.

Labcorp Genetics (formerly Invitae), Labcorp
Classification: Benign. Last evaluated: 2026-02-04. Review status: criteria provided, single submitter. Criteria: Invitae Variant Classification Sherloc (09022015). Collection method: clinical testing. Allele origin: germline.

ARUP Laboratories, Molecular Genetics and Genomics, ARUP Laboratories
Classification: Benign. Last evaluated: 2023-09-08. Review status: criteria provided, single submitter. Criteria: ARUP Molecular Germline Variant Investigation Process 2024. Collection method: clinical testing. Allele origin: germline.

Mayo Clinic Laboratories, Mayo Clinic
Classification: Benign. Last evaluated: 2022-11-30. Review status: criteria provided, single submitter. Criteria: ACMG Guidelines, 2015. Collection method: clinical testing. Allele origin: germline. Observed: 3 variant alleles.
Comment: BA1, BS2

Genome Diagnostics Laboratory, The Hospital for Sick Children
Classification: Benign for Connective tissue disorder. Last evaluated: 2021-06-18. Review status: criteria provided, single submitter. Criteria: ACMG Guidelines, 2015. Collection method: clinical testing. Allele origin: germline.

Athena Diagnostics
Classification: Benign. Last evaluated: 2019-03-20. Review status: criteria provided, single submitter. Criteria: Athena Diagnostics Criteria. Collection method: clinical testing. Allele origin: germline.

GeneDx
Classification: Benign. Last evaluated: 2017-06-08. Review status: criteria provided, single submitter. Criteria: GeneDx Variant Classification (06012015). Collection method: clinical testing. Allele origin: germline. Affected: yes.
Comment: This variant is considered likely benign or benign based on one or more of the following criteria: it is a conservative change, it occurs at a poorly conserved position in the protein, it is predicted to be benign by multiple in silico algorithms, and/or has population frequency not consistent with disease.

Breakthrough Genomics
Classification: Benign. Review status: criteria provided, single submitter. Criteria: ACMG Guidelines, 2015. Collection method: not provided. Allele origin: germline. Inheritance: Autosomal recessive inheritance. Affected: yes.

PreventionGenetics, part of Exact Sciences
Classification: Benign. Review status: criteria provided, single submitter. Criteria: ACMG Guidelines, 2015. Collection method: clinical testing. Allele origin: germline.